The following is an entry in ClinVar:

NM_031448.6(C19orf12):c.282dup (p.Ile95fs)

Gene: C19orf12 (chromosome 19 open reading frame 12; minus strand). Cytogenetic location: 19q12.
Variant type: Duplication.
Coding change: c.282dup on transcript NM_031448.6 (MANE Select); coding-DNA position 282, one base duplicated (C; older notation c.282dupC).
Protein change: p.Ile95fs; shifts the reading frame from isoleucine 95.
Molecular consequence: frameshift variant.
Genome position (GRCh38, 1-based): chr19:29,702,856, G duplicated on the plus strand (C on the coding strand, the reverse complement: C19orf12 is on the minus strand); the first of 2 consecutive G bases (chr19:29,702,856-29,702,857); duplicating either gives the same sequence. VCF-style (leftmost placement, unchanged base first): chr19-29702855-T-TG. GRCh37 (hg19) VCF-style: chr19-30193762-T-TG.
Other names: c.282dup, p.Ile95fs (NM_001031726.4, NM_001256046.3, NM_001256047.2); c.90dup, p.Ile31fs (NM_001282929.1, NM_001282930.3, NM_001282931.3); c.315dupC (NM_001031726.3); short protein forms I31fs, I95fs.
Identifiers: ClinVar variation 469659 (VCV000469659.8), dbSNP rs1555714827, ClinGen allele CA658658799.
Genomic context (GRCh38, chr19:29,702,855, plus strand): 5'-CGCTGCCCATGACCAGCGCGGTCAGCTGCACGGCGTCCGTCCACTCCAGGTGCCTGATGA[T>TG]GGCTGCGGCTTCGTTAAAGAGCCTCTGTTGCTCGGCAGGGGGCAGCTCCATTAGGATCTG-3'

ClinVar aggregate classification (germline): Uncertain significance (1 of 4 stars; one submission).

Conditions:
Hereditary spastic paraplegia 43. Also called: Spastic paraplegia 43, autosomal recessive. Identifiers: Orphanet 320370, MedGen C2680446, MONDO:0014024, OMIM 615043.

Submission:

Labcorp Genetics (formerly Invitae), Labcorp
Classification: Uncertain significance for Hereditary spastic paraplegia 43. Last evaluated: 2017-06-02. Review status: criteria provided, single submitter. Criteria: Invitae Variant Classification Sherloc (09022015). Collection method: clinical testing. Allele origin: germline.
Comment: In summary, this variant has uncertain impact on C19orf12 function. The available evidence is currently insufficient to determine its role in disease. Therefore, it has been classified as a Variant of Uncertain Significance. This variant has not been reported in the literature in individuals with a C19orf12-related disease. This variant is not present in population databases (ExAC no frequency). This sequence change results in a premature translational stop signal in the C19orf12 gene (p.Ile106Hisfs*46). While this is not anticipated to result in nonsense mediated decay, it is expected to disrupt the last 47 amino acids of the C19orf12 protein.